The following is an entry in ClinVar:

ClinVar aggregate classification (germline): Uncertain significance (1 of 4 stars; one submission).

Conditions:
PMM2-congenital disorder of glycosylation. Also called: CDG Ia; JAEKEN SYNDROME; PHOSPHOMANNOMUTASE 2 DEFICIENCY; CARBOHYDRATE-DEFICIENT GLYCOPROTEIN SYNDROME, TYPE Ia; PMM2-CDG; Congenital disorder of glycosylation, type Ia. Identifiers: Orphanet 79318, MedGen C0349653, MONDO:0008907, OMIM 212065.

gnomAD v4.1: 5 of 1,608,742 alleles (0.00031%); highest among the groups gnomAD compares: Non-Finnish European, 0.00043%; no homozygotes.

Submission:

Labcorp Genetics (formerly Invitae), Labcorp
Classification: Uncertain significance for PMM2-congenital disorder of glycosylation. Last evaluated: 2023-10-25. Review status: criteria provided, single submitter. Criteria: Invitae Variant Classification Sherloc (09022015). Collection method: clinical testing. Allele origin: germline.
Comment: This sequence change replaces glutamic acid, which is acidic and polar, with aspartic acid, which is acidic and polar, at codon 93 of the PMM2 protein (p.Glu93Asp). This variant is not present in population databases (gnomAD no frequency). This variant has not been reported in the literature in individuals affected with PMM2-related conditions. Advanced modeling of protein sequence and biophysical properties (such as structural, functional, and spatial information, amino acid conservation, physicochemical variation, residue mobility, and thermodynamic stability) performed at Invitae indicates that this missense variant is expected to disrupt PMM2 protein function with a positive predictive value of 80%. In summary, the available evidence is currently insufficient to determine the role of this variant in disease. Therefore, it has been classified as a Variant of Uncertain Significance.

NM_000303.3(PMM2):c.279G>T (p.Glu93Asp)

Gene: PMM2 (phosphomannomutase 2; plus strand). Cytogenetic location: 16p13.2.
Variant type: single nucleotide variant.
Coding change: c.279G>T on transcript NM_000303.3 (MANE Select); coding-DNA position 279, G replaced by T.
Protein change: p.Glu93Asp; replaces glutamic acid 93 with aspartic acid.
Molecular consequence: missense variant.
Genome position (GRCh38, 1-based): chr16:8,806,339, G>T. VCF-style: chr16-8806339-G-T. GRCh37 (hg19) VCF-style: chr16-8900196-G-T.
Other names: short protein forms E93D.
Identifiers: ClinVar variation 2771692 (VCV002771692.3), dbSNP rs781151708, ClinGen allele CA394696134.
Genomic context (GRCh38, chr16:8,806,339, plus strand): 5'-TGCTAAATCAAGTAACTCAAGTATTTTCTTCATCTAGAATATTCAAAGTCATCTGGGTGA[G>T]GCCCTAATCCAAGATTTAATCAACTACTGTCTGAGCTACATTGCGAAAATTAAACTCCCG-3'
Protein context (NP_000294.1, residues 83-103): CRQNIQSHLG[Glu93Asp]ALIQDLINYC